The following is an entry in ClinVar:

NM_001164508.2(NEB):c.21599A>G (p.His7200Arg)

Genes: RIF1 (replication timing regulatory factor 1; plus strand), NEB (nebulin; minus strand). Cytogenetic location: 2q23.3.
Variant type: single nucleotide variant.
Coding change: c.21599A>G on transcript NM_001164508.2 (MANE Select); coding-DNA position 21599, A replaced by G.
Protein change: p.His7200Arg; replaces histidine 7200 with arginine.
Molecular consequence: missense variant.
Genome position (GRCh38, 1-based): chr2:151,531,025, T>C on the plus strand (A>G on the coding strand, the complement: NEB is on the minus strand). VCF-style: chr2-151531025-T-C. GRCh37 (hg19) VCF-style: chr2-152387539-T-C.
Other names: c.21599A>G, p.His7200Arg (NM_001164507.2); c.21704A>G, p.His7235Arg (NM_001271208.2); c.16496A>G, p.His5499Arg (NM_004543.5); short protein forms H5499R, H7200R, H7235R.
Identifiers: ClinVar variation 2188315 (VCV002188315.1), dbSNP rs748975894, ClinGen allele CA1906930.

ClinVar aggregate classification (germline): Uncertain significance (1 of 4 stars; one submission).

Conditions:
Nemaline myopathy 2 (NEM2). Also called: Nemaline myopathy 2, autosomal recessive. Identifiers: MedGen C1850569, MONDO:0009725, OMIM 256030.

Allele frequency attached by ClinVar (database versions not stated): gnomAD exomes below 0.00001; ExAC 0.00001; TOPMed 0.00001.
gnomAD v4.1: 1 of 1,613,516 alleles (0.000062%); highest among the groups gnomAD compares: Admixed American, 0.0017%; no homozygotes.

Submission:

Labcorp Genetics (formerly Invitae), Labcorp
Classification: Uncertain significance for Nemaline myopathy 2. Last evaluated: 2021-09-30. Review status: criteria provided, single submitter. Criteria: Invitae Variant Classification Sherloc (09022015). Collection method: clinical testing. Allele origin: germline.
Comment: This sequence change replaces histidine with arginine at codon 7235 of the NEB protein (p.His7235Arg). The histidine residue is moderately conserved and there is a small physicochemical difference between histidine and arginine. The frequency data for this variant in the population databases is considered unreliable, as metrics indicate poor data quality at this position in the ExAC database. This variant has not been reported in the literature in individuals affected with NEB-related conditions. Algorithms developed to predict the effect of missense changes on protein structure and function are either unavailable or do not agree on the potential impact of this missense change (SIFT: "Deleterious"; PolyPhen-2: "Not Available"; Align-GVGD: "Class C0"). In summary, the available evidence is currently insufficient to determine the role of this variant in disease. Therefore, it has been classified as a Variant of Uncertain Significance.